The following is an entry in ClinVar:

NM_001165963.4(SCN1A):c.964+199T>G

Gene: SCN1A (sodium voltage-gated channel alpha subunit 1; minus strand). Cytogenetic location: 2q24.3.
Variant type: single nucleotide variant.
Coding change: c.964+199T>G on transcript NM_001165963.4 (MANE Select); 199 bases into the intron after coding-DNA position 964, T replaced by G.
Molecular consequence: intron variant.
Genome position (GRCh38, 1-based): chr2:166,051,520, A>C on the plus strand (T>G on the coding strand, the complement: SCN1A is on the minus strand). VCF-style: chr2-166051520-A-C. GRCh37 (hg19) VCF-style: chr2-166908030-A-C.
Other names: NC_000002.11:g.166908030A>C; c.964+199T>G (NM_001353949.2, NM_001353958.2, NM_001353950.2 and 10 more transcripts); c.-1462+199T>G (NM_001353961.2).
Identifiers: ClinVar variation 672710 (VCV000672710.3), dbSNP rs6706163, ClinGen allele CA59801069.

ClinVar aggregate classification (germline): Benign. Review status: criteria provided, multiple submitters, no conflicts (2 of 4 stars). 2 submissions from 2 submitters: Benign (2). Last evaluated 2018-06-18.

Allele frequency attached by ClinVar (database versions not stated): gnomAD 0.18121 and 0.18251; 1000 Genomes Project 30x 0.21580; TOPMed 0.18991; 1000 Genomes Project 0.21605.

Submissions (7):

GeneDx
Classification: Benign. Last evaluated: 2018-06-18. Review status: criteria provided, single submitter. Criteria: GeneDx Variant Classification (06012015). Collection method: clinical testing. Allele origin: germline. Affected: yes.
Comment: This variant is considered likely benign or benign based on one or more of the following criteria: it is a conservative change, it occurs at a poorly conserved position in the protein, it is predicted to be benign by multiple in silico algorithms, and/or has population frequency not consistent with disease.

Breakthrough Genomics
Classification: Benign. Review status: criteria provided, single submitter. Criteria: ACMG Guidelines, 2015. Collection method: not provided. Allele origin: germline. Inheritance: Autosomal dominant inheritance. Affected: yes.

Dr. Peter K. Rogan Lab, Western University
No classification provided (evidence only). Condition: Uterine corpus endometrial carcinoma. Review status: no classification provided. Collection method: in vitro. Allele origin: not applicable. Functional consequence: retained intron. Not counted in ClinVar's aggregate classification.

Dr. Peter K. Rogan Lab, Western University
No classification provided (evidence only). Condition: Ovarian serous cystadenocarcinoma. Review status: no classification provided. Collection method: in vitro. Allele origin: not applicable. Functional consequence: retained intron. Not counted in ClinVar's aggregate classification.

Dr. Peter K. Rogan Lab, Western University
No classification provided (evidence only). Condition: Malignant tumor of esophagus. Review status: no classification provided. Collection method: in vitro. Allele origin: not applicable. Functional consequence: retained intron. Not counted in ClinVar's aggregate classification.

Dr. Peter K. Rogan Lab, Western University
No classification provided (evidence only). Condition: Malignant tumor of esophagus. Review status: no classification provided. Collection method: in vitro. Allele origin: not applicable. Functional consequence: retained intron. Not counted in ClinVar's aggregate classification.

Dr. Peter K. Rogan Lab, Western University
No classification provided (evidence only). Condition: Malignant tumor of esophagus. Review status: no classification provided. Collection method: in vitro. Allele origin: not applicable. Functional consequence: retained intron. Not counted in ClinVar's aggregate classification.